The following is an entry in ClinVar:

NM_000195.5(HPS1):c.1744-6C>T

Gene: HPS1 (HPS1 biogenesis of lysosomal organelles complex 3 subunit 1; minus strand). Cytogenetic location: 10q24.2.
Variant type: single nucleotide variant.
Coding change: c.1744-6C>T on transcript NM_000195.5 (MANE Select); 6 bases into the intron before coding-DNA position 1744, C replaced by T.
Molecular consequence: intron variant.
Genome position (GRCh38, 1-based): chr10:98,420,164, G>A on the plus strand (C>T on the coding strand, the complement: HPS1 is on the minus strand). VCF-style: chr10-98420164-G-A. GRCh37 (hg19) VCF-style: chr10-100179921-G-A.
Other names: c.1744-6C>T (NM_000195.4, NM_001322476.2, NM_001322477.2); c.1375-6C>T (NM_001322483.2, NM_001322484.2); c.1483-6C>T (NM_001322480.2, NM_001322481.2); c.1645-6C>T (NM_001322478.2, NM_001322479.2); c.1276-6C>T (NM_001322485.2); c.1384-6C>T (NM_001322482.2); c.772-6C>T (NM_001322489.2, NM_001311345.2, NM_001322487.2).
Identifiers: ClinVar variation 1151749 (VCV001151749.10), dbSNP rs777248025, ClinGen allele CA5638896.

ClinVar aggregate classification (germline): Likely benign. Review status: criteria provided, multiple submitters, no conflicts (2 of 4 stars). 2 submissions from 2 submitters: Likely benign (2). Last evaluated 2025-09-21.

Conditions:
HPS1-related disorder. Also called: HPS1-related condition.

Allele frequency attached by ClinVar (database versions not stated): gnomAD exomes below 0.00001 and 0.00001; ExAC 0.00001; gnomAD 0.00001; TOPMed 0.00002.
gnomAD v4.1: 5 of 1,600,396 alleles (0.00031%); highest among the groups gnomAD compares: Non-Finnish European, 0.00043%; no homozygotes.

Submissions (2):

Labcorp Genetics (formerly Invitae), Labcorp
Classification: Likely benign. Last evaluated: 2025-09-21. Review status: criteria provided, single submitter. Criteria: Invitae Variant Classification Sherloc (09022015). Collection method: clinical testing. Allele origin: germline.

PreventionGenetics, part of Exact Sciences
Classification: Likely benign for HPS1-related condition. Last evaluated: 2025-02-05. Review status: criteria provided, single submitter. Criteria: ACMG Guidelines, 2015. Collection method: clinical testing. Allele origin: germline.
Comment: This variant is classified as likely benign based on ACMG/AMP sequence variant interpretation guidelines (Richards et al. 2015 PMID: 25741868, with internal and published modifications).